The following is an entry in ClinVar:

ClinVar aggregate classification (germline): Uncertain significance (1 of 4 stars; one submission).

Submission:

Labcorp Genetics (formerly Invitae), Labcorp
Classification: Uncertain significance. Last evaluated: 2026-01-26. Review status: criteria provided, single submitter. Criteria: Invitae Variant Classification Sherloc (09022015). Collection method: clinical testing. Allele origin: germline.
Comment: This sequence change replaces serine, which is neutral and polar, with arginine, which is basic and polar, at codon 306 of the NFE2L2 protein (p.Ser306Arg). This variant is not present in population databases (gnomAD no frequency). This variant has not been reported in the literature in individuals affected with NFE2L2-related conditions. Invitae Evidence Modeling of protein sequence and biophysical properties (such as structural, functional, and spatial information, amino acid conservation, physicochemical variation, residue mobility, and thermodynamic stability) indicates that this missense variant is not expected to disrupt NFE2L2 protein function with a negative predictive value of 80%. In summary, the available evidence is currently insufficient to determine the role of this variant in disease. Therefore, it has been classified as a Variant of Uncertain Significance.

NM_006164.5(NFE2L2):c.918C>G (p.Ser306Arg)

Gene: NFE2L2 (NFE2 like bZIP transcription factor 2; minus strand). Cytogenetic location: 2q31.2.
Variant type: single nucleotide variant.
Coding change: c.918C>G on transcript NM_006164.5 (MANE Select); coding-DNA position 918, C replaced by G.
Protein change: p.Ser306Arg; replaces serine 306 with arginine.
Molecular consequence: missense variant.
Genome position (GRCh38, 1-based): chr2:177,231,685, G>C on the plus strand (C>G on the coding strand, the complement: NFE2L2 is on the minus strand). VCF-style: chr2-177231685-G-C. GRCh37 (hg19) VCF-style: chr2-178096413-G-C.
Other names: c.870C>G, p.Ser290Arg (NM_001145412.3, NM_001313900.1, NM_001313901.1); c.849C>G, p.Ser283Arg (NM_001145413.3); c.828C>G, p.Ser276Arg (NM_001313902.2); c.699C>G, p.Ser233Arg (NM_001313903.2); c.618C>G, p.Ser206Arg (NM_001313904.1); short protein forms S206R, S233R, S276R, S283R, S290R, S306R.
Identifiers: ClinVar variation 4812309 (VCV004812309.1).